The following is an entry in ClinVar:

ClinVar aggregate classification (germline): Benign/Likely benign. Review status: criteria provided, multiple submitters, no conflicts (2 of 4 stars). 2 submissions from 2 submitters: Benign (1); Likely benign (1). Last evaluated 2026-01-14.

Conditions:
TRPM1-related disorder. Also called: TRPM1-related condition.

Allele frequency attached by ClinVar (database versions not stated): gnomAD 0.00001 and 0.00022; TOPMed 0.00003; gnomAD exomes 0.00045 and 0.00087; 1000 Genomes Project 0.00060; 1000 Genomes Project 30x 0.00094; ExAC 0.00094.
gnomAD v4.1: 685 of 1,614,208 alleles (0.042%); highest among the groups gnomAD compares: South Asian, 0.72%; 15 homozygotes.

Submissions (2):

Labcorp Genetics (formerly Invitae), Labcorp
Classification: Benign. Last evaluated: 2026-01-14. Review status: criteria provided, single submitter. Criteria: Invitae Variant Classification Sherloc (09022015). Collection method: clinical testing. Allele origin: germline.

PreventionGenetics, part of Exact Sciences
Classification: Likely benign for TRPM1-related condition. Last evaluated: 2024-10-28. Review status: criteria provided, single submitter. Criteria: ACMG Guidelines, 2015. Collection method: clinical testing. Allele origin: germline.
Comment: This variant is classified as likely benign based on ACMG/AMP sequence variant interpretation guidelines (Richards et al. 2015 PMID: 25741868, with internal and published modifications).

NM_001252024.2(TRPM1):c.2714A>G (p.Glu905Gly)

Genes: TRPM1-AS1 (TRPM1 antisense RNA 1; plus strand), TRPM1 (transient receptor potential cation channel subfamily M member 1; minus strand). Cytogenetic location: 15q13.3.
Variant type: single nucleotide variant.
Coding change: c.2714A>G on transcript NM_001252024.2 (MANE Select); coding-DNA position 2714, A replaced by G.
Protein change: p.Glu905Gly; replaces glutamic acid 905 with glycine.
Molecular consequence: missense variant.
Genome position (GRCh38, 1-based): chr15:31,032,927, T>C on the plus strand (A>G on the coding strand, the complement: TRPM1 is on the minus strand). VCF-style: chr15-31032927-T-C. GRCh37 (hg19) VCF-style: chr15-31325130-T-C.
Other names: c.2765A>G, p.Glu922Gly (NM_001252020.2); c.2648A>G, p.Glu883Gly (NM_002420.6); c.2765A>G (NM_001252020.1); short protein forms E883G, E905G, E922G.
Identifiers: ClinVar variation 1166188 (VCV001166188.10), dbSNP rs574652148, ClinGen allele CA7452077.